The following is an entry in ClinVar:

ClinVar aggregate classification (germline): Pathogenic/Likely pathogenic. Review status: criteria provided, multiple submitters, no conflicts (2 of 4 stars). 5 submissions from 5 submitters: Pathogenic (1); Likely pathogenic (3). 1 of the submissions does not count toward it. Last evaluated 2025-04-23.

Conditions:
Glycogen storage disease type III (GSD3). Also called: Cori disease; FORBES DISEASE. Identifiers: Orphanet 366, MedGen C0017922, MONDO:0009291, OMIM 232400.

Submissions (5):

Natera, Inc.
Classification: Likely pathogenic for Glycogen storage disease type III. Last evaluated: 2025-04-23. Review status: criteria provided, single submitter. Criteria: Natera Variant Classification Schema (03/2026). Collection method: clinical testing. Allele origin: germline.
Comment: The c.2538dup variant in AGL is a frameshift variant predicted to shift the reading frame beginning at codon 847 and leads to a stop codon 5 codons downstream. This variant is expected to result in nonsense mediated decay, truncation, or a dysfunctional protein product. This variant is rare in the general population with a frequency below the threshold expected for the associated phenotype(s). Given the available evidence, this variant is classified as Likely Pathogenic.

Baylor Genetics
Classification: Likely pathogenic for Glycogen storage disease type III. Last evaluated: 2023-04-13. Review status: criteria provided, single submitter. Criteria: ACMG Guidelines, 2015. Collection method: clinical testing. Allele origin: unknown.

Genome-Nilou Lab
Classification: Likely pathogenic for Glycogen storage disease type III. Last evaluated: 2023-04-11. Review status: criteria provided, single submitter. Criteria: ACMG Guidelines, 2015. Collection method: clinical testing. Allele origin: germline. Affected: no.

Labcorp Genetics (formerly Invitae), Labcorp
Classification: Pathogenic for Glycogen storage disease type III. Last evaluated: 2023-02-10. Review status: criteria provided, single submitter. Criteria: Invitae Variant Classification Sherloc (09022015). Collection method: clinical testing. Allele origin: germline.
Comment: This variant has not been reported in the literature in individuals affected with AGL-related conditions. ClinVar contains an entry for this variant (Variation ID: 371074). For these reasons, this variant has been classified as Pathogenic. This variant is not present in population databases (gnomAD no frequency). This sequence change creates a premature translational stop signal (p.Ile847Tyrfs*5) in the AGL gene. It is expected to result in an absent or disrupted protein product. Loss-of-function variants in AGL are known to be pathogenic (PMID: 19299494).

Counsyl
Classification: Likely pathogenic for Glycogen storage disease type III. Last evaluated: 2016-06-21. Review status: no assertion criteria provided. Collection method: clinical testing. Allele origin: unknown. Not counted in ClinVar's aggregate classification.

Literature cited by the submitters: PubMed 19299494 (cited by Labcorp Genetics (formerly Invitae), Labcorp).

NM_000642.3(AGL):c.2538dup (p.Ile847fs)

Gene: AGL (amylo-alpha-1,6-glucosidase and 4-alpha-glucanotransferase; plus strand). Cytogenetic location: 1p21.2.
Variant type: Duplication.
Coding change: c.2538dup on transcript NM_000642.3 (MANE Select); coding-DNA position 2538, one base duplicated (T; older notation c.2538dupT).
Protein change: p.Ile847fs; shifts the reading frame from isoleucine 847.
Molecular consequence: frameshift variant.
Genome position (GRCh38, 1-based): chr1:99,884,443, T duplicated; the last of 2 consecutive T bases (chr1:99,884,442-99,884,443); duplicating either gives the same sequence. VCF-style (leftmost placement, unchanged base first): chr1-99884441-A-AT. GRCh37 (hg19) VCF-style: chr1-100349997-A-AT.
Other names: c.2538dup (NM_000642.2); c.2538dup, p.Ile847Tyrfs (NM_000028.3, NM_000643.3, NM_000644.3 and 2 more transcripts); c.2490dup, p.Ile831Tyrfs (NM_000646.3); c.2337dup, p.Ile780Tyrfs (NM_001425327.1); c.2334dup, p.Ile779Tyrfs (NM_001425328.1, NM_001425329.1); c.2160dup, p.Ile721Tyrfs (NM_001425332.1); short protein forms I847fs, I831fs.
Identifiers: ClinVar variation 371074 (VCV000371074.11), dbSNP rs1057516984, ClinGen allele CA16040837.